The following is an entry in ClinVar:

NM_001041.4(SI):c.2433G>C (p.Lys811Asn)

Gene: SI (sucrase-isomaltase; minus strand). Cytogenetic location: 3q26.1.
Variant type: single nucleotide variant.
Coding change: c.2433G>C on transcript NM_001041.4 (MANE Select); coding-DNA position 2433, G replaced by C.
Protein change: p.Lys811Asn; replaces lysine 811 with asparagine.
Molecular consequence: missense variant.
Genome position (GRCh38, 1-based): chr3:165,036,471, C>G on the plus strand (G>C on the coding strand, the complement: SI is on the minus strand). VCF-style: chr3-165036471-C-G. GRCh37 (hg19) VCF-style: chr3-164754259-C-G.
Other names: short protein forms K811N.
Identifiers: ClinVar variation 1358249 (VCV001358249.6), dbSNP rs531574699, ClinGen allele CA355048053.

ClinVar aggregate classification (germline): Uncertain significance (1 of 4 stars; one submission).

gnomAD v4.1: 1 of 1,609,954 alleles (0.000062%); highest among the groups gnomAD compares: Non-Finnish European, 0.000085%; no homozygotes.

Submission:

Labcorp Genetics (formerly Invitae), Labcorp
Classification: Uncertain significance. Last evaluated: 2021-12-13. Review status: criteria provided, single submitter. Criteria: Invitae Variant Classification Sherloc (09022015). Collection method: clinical testing. Allele origin: germline.
Comment: In summary, the available evidence is currently insufficient to determine the role of this variant in disease. Therefore, it has been classified as a Variant of Uncertain Significance. Advanced modeling of protein sequence and biophysical properties (such as structural, functional, and spatial information, amino acid conservation, physicochemical variation, residue mobility, and thermodynamic stability) performed at Invitae indicates that this missense variant is not expected to disrupt SI protein function. This variant has not been reported in the literature in individuals affected with SI-related conditions. This variant is not present in population databases (gnomAD no frequency). This sequence change replaces lysine, which is basic and polar, with asparagine, which is neutral and polar, at codon 811 of the SI protein (p.Lys811Asn).